The following is an entry in ClinVar:

ClinVar aggregate classification (germline): Conflicting classifications of pathogenicity. Review status: criteria provided, conflicting classifications (1 of 4 stars). 6 submissions from 6 submitters: Uncertain significance (1); Likely benign (3). 2 of the submissions do not count toward it. Last evaluated 2026-01-14.

Allele frequency attached by ClinVar (database versions not stated): ESP Exome Variant Server 0.00008; ExAC 0.00011; gnomAD 0.00011; gnomAD exomes 0.00012; TOPMed 0.00012.
gnomAD v4.1: 221 of 1,614,080 alleles (0.014%); highest among the groups gnomAD compares: Middle Eastern, 0.33%; no homozygotes.

Submissions (6):

Labcorp Genetics (formerly Invitae), Labcorp
Classification: Likely benign. Last evaluated: 2026-01-14. Review status: criteria provided, single submitter. Criteria: Invitae Variant Classification Sherloc (09022015). Collection method: clinical testing. Allele origin: germline.

Blueprint Genetics
Classification: Likely benign. Last evaluated: 2024-09-20. Review status: criteria provided, single submitter. Criteria: ACMG Guidelines, 2015. Collection method: clinical testing. Allele origin: germline.

CeGaT Center for Human Genetics Tuebingen
Classification: Likely benign. Last evaluated: 2023-01-01. Review status: criteria provided, single submitter. Criteria: CeGaT Center For Human Genetics Tuebingen Variant Classification Criteria Version 2. Collection method: clinical testing. Allele origin: germline. Affected: yes. Observed: 1 variant allele.
Comment: LRP2: BP4, BP7

Genetic Services Laboratory, University of Chicago
Classification: Uncertain significance. Last evaluated: 2014-09-11. Review status: criteria provided, single submitter. Criteria: ACMG Guidelines, 2015. Collection method: clinical testing. Allele origin: germline.

Clinical Genetics DNA and cytogenetics Diagnostics Lab, Erasmus MC, Erasmus Medical Center
Classification: Likely benign. Review status: no assertion criteria provided. Collection method: clinical testing. Allele origin: germline. Affected: yes. Study: VKGL Data-share Consensus. Not counted in ClinVar's aggregate classification.

Joint Genome Diagnostic Labs from Nijmegen and Maastricht, Radboudumc and MUMC+
Classification: Likely benign. Review status: no assertion criteria provided. Collection method: clinical testing. Allele origin: germline. Affected: yes. Study: VKGL Data-share Consensus. Not counted in ClinVar's aggregate classification.

NM_004525.3(LRP2):c.8169C>T (p.Asn2723=)

Gene: LRP2 (LDL receptor related protein 2; minus strand). Cytogenetic location: 2q31.1.
Variant type: single nucleotide variant.
Coding change: c.8169C>T on transcript NM_004525.3 (MANE Select); coding-DNA position 8169, C replaced by T.
Protein change: p.Asn2723=; no amino-acid change (asparagine 2723 retained).
Molecular consequence: synonymous variant.
Genome position (GRCh38, 1-based): chr2:169,202,796, G>A on the plus strand (C>T on the coding strand, the complement: LRP2 is on the minus strand). VCF-style: chr2-169202796-G-A. GRCh37 (hg19) VCF-style: chr2-170059306-G-A.
Identifiers: ClinVar variation 211402 (VCV000211402.41), dbSNP rs200369596, ClinGen allele CA205324.